The following is an entry in ClinVar:

ClinVar aggregate classification (germline): Uncertain significance (1 of 4 stars; one submission).

Conditions:
Neuromuscular disease caused by qualitative or quantitative defects of dysferlin. Also called: Qualitative or quantitative defects of dysferlin; Dysferlinopathy. Identifiers: Orphanet 207073, MedGen C2931687, MONDO:0016145.

Allele frequency attached by ClinVar (database versions not stated): gnomAD exomes below 0.00001; ExAC 0.00001.
gnomAD v4.1: 1 of 1,614,054 alleles (0.000062%); highest among the groups gnomAD compares: East Asian, 0.0022%; no homozygotes.

Submission:

Labcorp Genetics (formerly Invitae), Labcorp
Classification: Uncertain significance for Neuromuscular disease caused by qualitative or quantitative defects of dysferlin. Last evaluated: 2018-05-01. Review status: criteria provided, single submitter. Criteria: Invitae Variant Classification Sherloc (09022015). Collection method: clinical testing. Allele origin: germline.
Comment: This sequence change replaces methionine with isoleucine at codon 455 of the DYSF protein (p.Met455Ile). The methionine residue is moderately conserved and there is a small physicochemical difference between methionine and isoleucine. This variant is present in population databases (rs750819109, ExAC 0.01%). This variant has not been reported in the literature in individuals with DYSF-related disease. Algorithms developed to predict the effect of missense changes on protein structure and function do not agree on the potential impact of this missense change (SIFT: "Tolerated"; PolyPhen-2: "Possibly Damaging"; Align-GVGD: "Class C0"). In summary, the available evidence is currently insufficient to determine the role of this variant in disease. Therefore, it has been classified as a Variant of Uncertain Significance.

NM_001130987.2(DYSF):c.1461G>A (p.Met487Ile)

Gene: DYSF (dysferlin; plus strand). Cytogenetic location: 2p13.2.
Variant type: single nucleotide variant.
Coding change: c.1461G>A on transcript NM_001130987.2 (MANE Select); coding-DNA position 1461, G replaced by A.
Protein change: p.Met487Ile; replaces methionine 487 with isoleucine.
Molecular consequence: missense variant.
Genome position (GRCh38, 1-based): chr2:71,535,279, G>A. VCF-style: chr2-71535279-G-A. GRCh37 (hg19) VCF-style: chr2-71762409-G-A.
Other names: c.1368G>A, p.Met456Ile (NM_001130455.2, NM_001130983.2, NM_001130984.2 and 1 more transcripts); c.1365G>A, p.Met455Ile (NM_001130976.2, NM_001130977.2, NM_001130978.2 and 1 more transcripts); c.1458G>A, p.Met486Ile (NM_001130979.2, NM_001130980.2, NM_001130981.2); c.1461G>A, p.Met487Ile (NM_001130982.2, NM_001130985.2); short protein forms M455I, M487I, M456I, M486I.
Identifiers: ClinVar variation 579482 (VCV000579482.8), dbSNP rs750819109, ClinGen allele CA1705765.